The following is an entry in ClinVar:

NM_000257.4(MYH7):c.1989C>T (p.Arg663=)

Gene: MYH7 (myosin heavy chain 7; minus strand). Cytogenetic location: 14q11.2.
Variant type: single nucleotide variant.
Coding change: c.1989C>T on transcript NM_000257.4 (MANE Select); coding-DNA position 1989, C replaced by T.
Protein change: p.Arg663=; no amino-acid change (arginine 663 retained).
Molecular consequence: synonymous variant.
Genome position (GRCh38, 1-based): chr14:23,426,832, G>A on the plus strand (C>T on the coding strand, the complement: MYH7 is on the minus strand). VCF-style: chr14-23426832-G-A. GRCh37 (hg19) VCF-style: chr14-23896041-G-A.
Other names: c.1989C>T, p.Arg663= (NM_001407004.1).
Identifiers: ClinVar variation 2045989 (VCV002045989.5), dbSNP rs1892712923, ClinGen allele CA485623659.

ClinVar aggregate classification (germline): Likely benign. Review status: criteria provided, multiple submitters, no conflicts (2 of 4 stars). 2 submissions from 2 submitters: Likely benign (2). Last evaluated 2024-06-22.

Conditions:
Cardiomyopathy (CMYO). Also called: Cardiomyopathies. Identifiers: Orphanet 167848, MedGen C0878544, MONDO:0004994, HP:0001638. Inheritance: Various modes of inheritance.
Hypertrophic cardiomyopathy. Also called: HYPERTROPHIC MYOCARDIOPATHY. Identifiers: Orphanet 217569, MedGen C0007194, MeSH D002312, MONDO:0005045, HP:0001639.

Submissions (2):

Labcorp Genetics (formerly Invitae), Labcorp
Classification: Likely benign for Hypertrophic cardiomyopathy. Last evaluated: 2024-06-22. Review status: criteria provided, single submitter. Criteria: Invitae Variant Classification Sherloc (09022015). Collection method: clinical testing. Allele origin: germline.

All of Us Research Program, National Institutes of Health
Classification: Likely benign for Cardiomyopathy. Last evaluated: 2023-10-23. Review status: criteria provided, single submitter. Criteria: ACMG Guidelines, 2015. Collection method: clinical testing. Allele origin: germline. Inheritance: Autosomal dominant inheritance. Observed: 1 variant allele, 1 heterozygote.
Comment: This study involves interpretation of variants in research participants for the purpose of population health screening. Participant phenotype was not available at the time of variant classification. Additional details can be found in publication PMID: 35346344, PMCID: PMC8962531